The following is an entry in ClinVar:

NM_000548.5(TSC2):c.464A>G (p.Tyr155Cys)

Gene: TSC2 (TSC complex subunit 2; plus strand). Cytogenetic location: 16p13.3.
Variant type: single nucleotide variant.
Coding change: c.464A>G on transcript NM_000548.5 (MANE Select); coding-DNA position 464, A replaced by G.
Protein change: p.Tyr155Cys; replaces tyrosine 155 with cysteine.
Molecular consequence: missense variant. On other transcripts: intron variant (1).
Genome position (GRCh38, 1-based): chr16:2,054,423, A>G. VCF-style: chr16-2054423-A-G. GRCh37 (hg19) VCF-style: chr16-2104424-A-G.
Other names: c.464A>G, p.Tyr155Cys (NM_001077183.3, NM_001114382.3, NM_001363528.2 and 3 more transcripts); c.353A>G, p.Tyr118Cys (NM_001318827.2); c.317A>G, p.Tyr106Cys (NM_001318829.2); c.497A>G, p.Tyr166Cys (NM_001318832.2); c.-1-1773A>G (NM_001318831.2); short protein forms Y155C, Y166C, Y106C, Y118C.
Identifiers: ClinVar variation 535937 (VCV000535937.21), dbSNP rs755177576, ClinGen allele CA052014.

ClinVar aggregate classification (germline): Conflicting classifications of pathogenicity. Review status: criteria provided, conflicting classifications (1 of 4 stars). 5 submissions from 5 submitters: Uncertain significance (3); Likely benign (2). Last evaluated 2025-12-10.

Conditions:
Tuberous sclerosis syndrome (TSC). Also called: Tuberous Sclerosis Complex; Tuberous sclerosis. Identifiers: Orphanet 805, MedGen C0041341, MONDO:0001734.
Hereditary cancer-predisposing syndrome. Also called: Neoplastic Syndromes, Hereditary; Tumor predisposition; Hereditary Cancer Syndrome; Hereditary neoplastic syndrome. Identifiers: Orphanet 140162, MedGen C0027672, MeSH D009386, MONDO:0015356.
Tuberous sclerosis 2 (TSC2). Identifiers: Orphanet 805, MedGen C1860707, MONDO:0013199, OMIM 613254.

Allele frequency attached by ClinVar (database versions not stated): gnomAD exomes below 0.00001 and 0.00001; ExAC 0.00002.
gnomAD v4.1: 7 of 1,614,112 alleles (0.00043%); highest among the groups gnomAD compares: Non-Finnish European, 0.00051%; no homozygotes.

Submissions (5):

Labcorp Genetics (formerly Invitae), Labcorp
Classification: Likely benign for Tuberous sclerosis 2. Last evaluated: 2025-12-10. Review status: criteria provided, single submitter. Criteria: Invitae Variant Classification Sherloc (09022015). Collection method: clinical testing. Allele origin: germline.

GeneDx
Classification: Uncertain significance. Last evaluated: 2024-12-05. Review status: criteria provided, single submitter. Criteria: GeneDx Variant Classification Process June 2021. Collection method: clinical testing. Allele origin: germline. Affected: yes.
Comment: In silico analysis supports that this missense variant has a deleterious effect on protein structure/function; Has not been previously published as pathogenic or benign to our knowledge; This variant is associated with the following publications: (PMID: 18466115)

Ambry Genetics
Classification: Uncertain significance for Hereditary cancer-predisposing syndrome. Last evaluated: 2024-04-13. Review status: criteria provided, single submitter. Criteria: Ambry Variant Classification Scheme 2023. Collection method: clinical testing. Allele origin: germline.
Comment: The p.Y155C variant (also known as c.464A>G), located in coding exon 4 of the TSC2 gene, results from an A to G substitution at nucleotide position 464. The tyrosine at codon 155 is replaced by cysteine, an amino acid with highly dissimilar properties. This amino acid position is highly conserved in available vertebrate species. In addition, this alteration is predicted to be deleterious by in silico analysis. Since supporting evidence is limited at this time, the clinical significance of this alteration remains unclear.

All of Us Research Program, National Institutes of Health
Classification: Uncertain significance for Tuberous sclerosis syndrome. Last evaluated: 2024-01-03. Review status: criteria provided, single submitter. Criteria: ACMG Guidelines, 2015. Collection method: clinical testing. Allele origin: germline. Inheritance: Autosomal dominant inheritance. Observed: 3 variant alleles, 3 heterozygotes.
Comment: This missense variant replaces tyrosine with cysteine at codon 155 of the TSC2 protein. Computational prediction suggests that this variant may have deleterious impact on protein structure and function (internally defined REVEL score threshold >= 0.7, PMID: 27666373). To our knowledge, functional studies have not been reported for this variant. This variant has not been reported in individuals affected with tuberous sclerosis complex in the literature. This variant has been identified in 3/251480 chromosomes in the general population by the Genome Aggregation Database (gnomAD). The available evidence is insufficient to determine the role of this variant in disease conclusively. Therefore, this variant is classified as a Variant of Uncertain Significance.

This study involves interpretation of variants in research participants for the purpose of population health screening. Participant phenotype was not available at the time of variant classification. Additional details can be found in publication PMID: 35346344, PMCID: PMC8962531

Genome-Nilou Lab
Classification: Likely benign for Tuberous sclerosis 2. Last evaluated: 2021-11-07. Review status: criteria provided, single submitter. Criteria: ACMG Guidelines, 2015. Collection method: clinical testing. Allele origin: germline. Affected: no.